The following is an entry in ClinVar:

NM_001379200.1(TBX1):c.239C>G (p.Pro80Arg)

Gene: TBX1 (T-box transcription factor 1; plus strand). Cytogenetic location: 22q11.21.
Variant type: single nucleotide variant.
Coding change: c.239C>G on transcript NM_001379200.1 (MANE Select); coding-DNA position 239, C replaced by G.
Protein change: p.Pro80Arg; replaces proline 80 with arginine.
Molecular consequence: missense variant.
Genome position (GRCh38, 1-based): chr22:19,761,082, C>G. VCF-style: chr22-19761082-C-G. GRCh37 (hg19) VCF-style: chr22-19748605-C-G.
Other names: c.212C>G, p.Pro71Arg (NM_005992.1, NM_080646.2, NM_080647.1); short protein forms P71R, P80R.
Identifiers: ClinVar variation 849817 (VCV000849817.9), dbSNP rs984681986, ClinGen allele CA410681440.

ClinVar aggregate classification (germline): Uncertain significance (1 of 4 stars; one submission).

Conditions:
DiGeorge syndrome. Also called: Catch22; THIRD AND FOURTH PHARYNGEAL POUCH SYNDROME. Identifiers: Orphanet 567, MedGen C0012236, MONDO:0008564, OMIM 188400.

Submission:

Labcorp Genetics (formerly Invitae), Labcorp
Classification: Uncertain significance for DiGeorge syndrome. Last evaluated: 2022-02-05. Review status: criteria provided, single submitter. Criteria: Invitae Variant Classification Sherloc (09022015). Collection method: clinical testing. Allele origin: germline.
Comment: In summary, the available evidence is currently insufficient to determine the role of this variant in disease. Therefore, it has been classified as a Variant of Uncertain Significance. Algorithms developed to predict the effect of missense changes on protein structure and function are either unavailable or do not agree on the potential impact of this missense change (SIFT: "Deleterious"; PolyPhen-2: "Not Available"; Align-GVGD: "Class C0"). ClinVar contains an entry for this variant (Variation ID: 849817). This variant has not been reported in the literature in individuals affected with TBX1-related conditions. This variant is not present in population databases (gnomAD no frequency). This sequence change replaces proline, which is neutral and non-polar, with arginine, which is basic and polar, at codon 71 of the TBX1 protein (p.Pro71Arg).